The following is an entry in ClinVar:

ClinVar aggregate classification (germline): Uncertain significance. Review status: criteria provided, multiple submitters, no conflicts (2 of 4 stars). 5 submissions from 5 submitters: Uncertain significance (5). Last evaluated 2025-09-26.

Conditions:
PLCG2-related disorder. Also called: PLCG2-related condition.
Inborn genetic diseases. Identifiers: MedGen C0950123, MeSH D030342.
Autoinflammation-PLCG2-associated antibody deficiency-immune dysregulation. Also called: AUTOINFLAMMATION, ANTIBODY DEFICIENCY, AND IMMUNE DYSREGULATION; Autoinflammation, antibody deficiency, and immune dysregulation, plcg2-associated; Autoinflammation, antibody deficiency, and immune dysregulation syndrome. Identifiers: Orphanet 324530, MedGen C3553961, MONDO:0013944, OMIM 614878.
Familial cold autoinflammatory syndrome 3 (FCAS3). Also called: FAMILIAL ATYPICAL COLD URTICARIA; ANTIBODY DEFICIENCY AND IMMUNE DYSREGULATION, PLCG2-ASSOCIATED. Identifiers: Orphanet 300359, MedGen C3280914, MONDO:0013766, OMIM 614468.

Allele frequency attached by ClinVar (database versions not stated): TOPMed 0.00001; gnomAD exomes 0.00002; gnomAD 0.00003.
gnomAD v4.1: 22 of 1,613,864 alleles (0.0014%); highest among the groups gnomAD compares: Non-Finnish European, 0.0018%; no homozygotes.

Submissions (5):

PreventionGenetics, part of Exact Sciences
Classification: Uncertain significance for PLCG2-related condition. Last evaluated: 2025-09-26. Review status: criteria provided, single submitter. Criteria: ACMG Guidelines, 2015. Collection method: clinical testing. Allele origin: germline.
Comment: The PLCG2 c.3524T>C variant is predicted to result in the amino acid substitution p.Ile1175Thr. To our knowledge, this variant has not been reported in the literature. This variant is reported in 0.0035% of alleles in individuals of European (Non-Finnish) descent in gnomAD. Of note, an alternate missense variant at the same amino acid position has been reported in the compound heterozygous state in a patient with autosomal recessive neuronal ceroid lipofuscinosis [3523A>G (Ile1175Val), Di Fruscio et al. 2015. PubMed ID: 26075876]. At this time, the clinical significance of the c.3524T>C (p.Ile1175Thr) variant is uncertain due to the absence of conclusive functional and genetic evidence.

Ambry Genetics
Classification: Uncertain significance for Inborn genetic diseases. Last evaluated: 2025-04-18. Review status: criteria provided, single submitter. Criteria: Ambry Variant Classification Scheme 2023. Collection method: clinical testing. Allele origin: germline.

Labcorp Genetics (formerly Invitae), Labcorp
Classification: Uncertain significance for Familial cold autoinflammatory syndrome 3. Last evaluated: 2025-03-31. Review status: criteria provided, single submitter. Criteria: Invitae Variant Classification Sherloc (09022015). Collection method: clinical testing. Allele origin: germline.
Comment: This sequence change replaces isoleucine, which is neutral and non-polar, with threonine, which is neutral and polar, at codon 1175 of the PLCG2 protein (p.Ile1175Thr). This variant is present in population databases (no rsID available, gnomAD 0.004%). This variant has not been reported in the literature in individuals affected with PLCG2-related conditions. ClinVar contains an entry for this variant (Variation ID: 942697). An algorithm developed to predict the effect of missense changes on protein structure and function (PolyPhen-2) suggests that this variant is likely to be tolerated. In summary, the available evidence is currently insufficient to determine the role of this variant in disease. Therefore, it has been classified as a Variant of Uncertain Significance.

Fulgent Genetics
Classification: Uncertain significance for Familial cold autoinflammatory syndrome 3; Autoinflammation-PLCG2-associated antibody deficiency-immune dysregulation. Last evaluated: 2021-07-23. Review status: criteria provided, single submitter. Criteria: ACMG Guidelines, 2015. Collection method: clinical testing. Allele origin: unknown.

Mayo Clinic Laboratories, Mayo Clinic
Classification: Uncertain significance. Last evaluated: 2021-06-15. Review status: criteria provided, single submitter. Criteria: ACMG Guidelines, 2015. Collection method: clinical testing. Allele origin: germline.

NM_002661.5(PLCG2):c.3524T>C (p.Ile1175Thr)

Gene: PLCG2 (phospholipase C gamma 2; plus strand). Cytogenetic location: 16q23.3.
Variant type: single nucleotide variant.
Coding change: c.3524T>C on transcript NM_002661.5 (MANE Select); coding-DNA position 3524, T replaced by C.
Protein change: p.Ile1175Thr; replaces isoleucine 1175 with threonine.
Molecular consequence: missense variant.
Genome position (GRCh38, 1-based): chr16:81,946,217, T>C. VCF-style: chr16-81946217-T-C. GRCh37 (hg19) VCF-style: chr16-81979822-T-C.
Other names: p.Ile1175Thr; c.3524T>C (NM_002661.3); short protein forms I1175T.
Identifiers: ClinVar variation 942697 (VCV000942697.17), dbSNP rs1265110994, ClinGen allele CA396909767.